The following is an entry in ClinVar:

NM_000023.4(SGCA):c.442G>A (p.Val148Met)

Gene: SGCA (sarcoglycan alpha; plus strand). Cytogenetic location: 17q21.33.
Variant type: single nucleotide variant.
Coding change: c.442G>A on transcript NM_000023.4 (MANE Select); coding-DNA position 442, G replaced by A.
Protein change: p.Val148Met; replaces valine 148 with methionine.
Molecular consequence: missense variant. On other transcripts: non-coding transcript variant (1).
Genome position (GRCh38, 1-based): chr17:50,168,430, G>A. VCF-style: chr17-50168430-G-A. GRCh37 (hg19) VCF-style: chr17-48245791-G-A.
Other names: c.442G>A, p.Val148Met (NM_001135697.3); c.442G>A (NM_000023.3); short protein forms V148M.
Identifiers: ClinVar variation 650305 (VCV000650305.10), dbSNP rs1288174276, ClinGen allele CA400179886.

ClinVar aggregate classification (germline): Uncertain significance. Review status: criteria provided, single submitter (1 of 4 stars). 2 submissions from 2 submitters: Uncertain significance (1). 1 of the submissions does not count toward it. Last evaluated 2018-11-07.

Conditions:
Autosomal recessive limb-girdle muscular dystrophy type 2D (LGMDR3). Also called: MUSCULAR DYSTROPHY, LIMB-GIRDLE, AUTOSOMAL RECESSIVE 3; DUCHENNE-LIKE AUTOSOMAL RECESSIVE MUSCULAR DYSTROPHY, TYPE 2; ADHALINOPATHY, PRIMARY. Identifiers: Orphanet 62, MedGen C2936332, MONDO:0011968, OMIM 608099. Disease mechanism: Affects gamma-sarcoglycan and also disrupts the integrity of the entire sarcoglycan complex..

Allele frequency attached by ClinVar (database versions not stated): gnomAD exomes below 0.00001; TOPMed below 0.00001; gnomAD 0.00001.

Submissions (2):

Labcorp Genetics (formerly Invitae), Labcorp
Classification: Uncertain significance for Autosomal recessive limb-girdle muscular dystrophy type 2D. Last evaluated: 2018-11-07. Review status: criteria provided, single submitter. Criteria: Invitae Variant Classification Sherloc (09022015). Collection method: clinical testing. Allele origin: germline.
Comment: In summary, the available evidence is currently insufficient to determine the role of this variant in disease. Therefore, it has been classified as a Variant of Uncertain Significance. Algorithms developed to predict the effect of missense changes on protein structure and function are either unavailable or do not agree on the potential impact of this missense change (SIFT: "Deleterious"; PolyPhen-2: "Benign"; Align-GVGD: "Class C0"). This variant has not been reported in the literature in individuals with SGCA-related disease. This variant is not present in population databases (ExAC no frequency). This sequence change replaces valine with methionine at codon 148 of the SGCA protein (p.Val148Met). The valine residue is moderately conserved and there is a small physicochemical difference between valine and methionine.

Natera, Inc.
Classification: Uncertain significance for Limb-girdle muscular dystrophy type 2D. Last evaluated: 2025-02-10. Review status: no assertion criteria provided. Collection method: clinical testing. Allele origin: germline. Not counted in ClinVar's aggregate classification.